The following is an entry in ClinVar:

NM_014905.5(GLS):c.1531A>G (p.Ser511Gly)

Gene: GLS (glutaminase; plus strand). Cytogenetic location: 2q32.2.
Variant type: single nucleotide variant.
Coding change: c.1531A>G on transcript NM_014905.5 (MANE Select); coding-DNA position 1531, A replaced by G.
Protein change: p.Ser511Gly; replaces serine 511 with glycine.
Molecular consequence: missense variant.
Genome position (GRCh38, 1-based): chr2:190,930,542, A>G. VCF-style: chr2-190930542-A-G. GRCh37 (hg19) VCF-style: chr2-191795268-A-G.
Other names: c.1531A>G, p.Ser511Gly (NM_001256310.2); short protein forms S511G.
Identifiers: ClinVar variation 3371889 (VCV003371889.1).

ClinVar aggregate classification (germline): Uncertain significance (1 of 4 stars; one submission).

Submission:

GeneDx
Classification: Uncertain significance. Last evaluated: 2024-04-05. Review status: criteria provided, single submitter. Criteria: GeneDx Variant Classification Process June 2021. Collection method: clinical testing. Allele origin: germline. Affected: yes.
Comment: Not observed at significant frequency in large population cohorts (gnomAD); In silico analysis supports that this missense variant has a deleterious effect on protein structure/function; Has not been previously published as pathogenic or benign to our knowledge